The following is an entry in ClinVar:

ClinVar aggregate classification (germline): Uncertain significance. Review status: criteria provided, multiple submitters, no conflicts (2 of 4 stars). 3 submissions from 3 submitters: Uncertain significance (3). Last evaluated 2026-07-01.

Conditions:
Wilson disease (WND). Also called: Wilson's disease. Identifiers: Orphanet 905, MedGen C0019202, MONDO:0010200, OMIM 277900. Disease mechanism: loss of function.

Allele frequency attached by ClinVar (database versions not stated): TOPMed below 0.00001.
gnomAD v4.1: 8 of 1,614,180 alleles (0.0005%); highest among the groups gnomAD compares: Non-Finnish European, 0.00059%; no homozygotes.

Submissions (3):

CeGaT Center for Human Genetics Tuebingen
Classification: Uncertain significance. Last evaluated: 2026-07-01. Review status: criteria provided, single submitter. Criteria: CeGaT Center For Human Genetics Tuebingen Variant Classification Criteria Version 2. Collection method: clinical testing. Allele origin: germline. Affected: yes. Observed: 1 variant allele.
Comment: ATP7B: PM2

Color Diagnostics, LLC DBA Color Health
Classification: Uncertain significance for Wilson disease. Last evaluated: 2024-03-06. Review status: criteria provided, single submitter. Criteria: ACMG Guidelines, 2015. Collection method: clinical testing. Allele origin: germline.
Comment: This missense variant replaces valine with methionine at codon 825 of the ATP7B protein. Computational prediction suggests that this variant may have deleterious impact on protein structure and function (internally defined REVEL score threshold >= 0.7, PMID: 27666373). To our knowledge, functional studies have not been reported for this variant. This variant has not been reported in individuals affected with Wilson disease in the literature. This variant has been identified in 1/31400 chromosomes in the general population by the Genome Aggregation Database (gnomAD). The available evidence is insufficient to determine the role of this variant in disease conclusively. Therefore, this variant is classified as a Variant of Uncertain Significance.

All of Us Research Program, National Institutes of Health
Classification: Uncertain significance for Wilson disease. Last evaluated: 2023-07-07. Review status: criteria provided, single submitter. Criteria: ACMG Guidelines, 2015. Collection method: clinical testing. Allele origin: germline. Inheritance: Autosomal recessive inheritance. Observed: 3 variant alleles, 3 heterozygotes.
Comment: This missense variant replaces valine with methionine at codon 825 of the ATP7B protein. Computational prediction suggests that this variant may have deleterious impact on protein structure and function (internally defined REVEL score threshold >= 0.7, PMID: 27666373). To our knowledge, functional studies have not been reported for this variant. This variant has not been reported in individuals affected with Wilson disease in the literature. This variant has been identified in 1/31400 chromosomes in the general population by the Genome Aggregation Database (gnomAD). The available evidence is insufficient to determine the role of this variant in disease conclusively. Therefore, this variant is classified as a Variant of Uncertain Significance.

This study involves interpretation of variants in research participants for the purpose of population health screening. Participant phenotype was not available at the time of variant classification. Additional details can be found in publication PMID: 35346344, PMCID: PMC8962531

NM_000053.4(ATP7B):c.2473G>A (p.Val825Met)

Gene: ATP7B (ATPase copper transporting beta; minus strand). Cytogenetic location: 13q14.3.
Variant type: single nucleotide variant.
Coding change: c.2473G>A on transcript NM_000053.4 (MANE Select); coding-DNA position 2473, G replaced by A.
Protein change: p.Val825Met; replaces valine 825 with methionine.
Molecular consequence: missense variant. On other transcripts: intron variant (1).
Genome position (GRCh38, 1-based): chr13:51,950,374, C>T on the plus strand (G>A on the coding strand, the complement: ATP7B is on the minus strand). VCF-style: chr13-51950374-C-T. GRCh37 (hg19) VCF-style: chr13-52524510-C-T.
Other names: c.1987G>A, p.Val663Met (NM_001005918.3, NM_001406541.1, NM_001406542.1 and 1 more transcripts); c.2140G>A, p.Val714Met (NM_001243182.2); c.2239G>A, p.Val747Met (NM_001330578.2, NM_001406527.1, NM_001406528.1 and 2 more transcripts); c.2329G>A, p.Val777Met (NM_001406520.1, NM_001406521.1, NM_001406522.1 and 1 more transcripts); c.2473G>A, p.Val825Met (NM_001406523.1, NM_001406525.1, NM_001406526.1 and 7 more transcripts); c.2296G>A, p.Val766Met (NM_001406524.1); c.2125G>A, p.Val709Met (NM_001406543.1); c.1891G>A, p.Val631Met (NM_001406544.1); and 8 more; short protein forms V609M, V631M, V793M, V814M, V663M, V741M, V745M, V682M.
Identifiers: ClinVar variation 2774738 (VCV002774738.4), dbSNP rs1320688188, ClinGen allele CA388016853.
Genomic context (GRCh38, chr13:51,950,374, plus strand): 5'-CTTTCCCATCCACTGGAAACTTTCCCCCAGGGACCACCTTGACGATATCGCCCCGCTGCA[C>T]CAGCTCCATGGGGACTTGCTCCTCCCTGCAACAAACGCCACTTATCACTCACATGGCCAC-3'
Protein context (NP_000044.2, residues 815-835): IREEQVPMEL[Val825Met]QRGDIVKVVP